The following is an entry in ClinVar:

ClinVar aggregate classification (germline): Uncertain significance (1 of 4 stars; one submission).

Conditions:
Alstrom syndrome (ALMS). Identifiers: Orphanet 64, MedGen C0268425, MONDO:0008763, OMIM 203800.

Submission:

Labcorp Genetics (formerly Invitae), Labcorp
Classification: Uncertain significance for Alstrom syndrome. Last evaluated: 2025-11-08. Review status: criteria provided, single submitter. Criteria: Invitae Variant Classification Sherloc (09022015). Collection method: clinical testing. Allele origin: germline.
Comment: This sequence change replaces leucine, which is neutral and non-polar, with phenylalanine, which is neutral and non-polar, at codon 3599 of the ALMS1 protein (p.Leu3599Phe). This variant is not present in population databases (gnomAD no frequency). This variant has not been reported in the literature in individuals affected with ALMS1-related conditions. Experimental studies and prediction algorithms are not available or were not evaluated, and the functional significance of this variant is currently unknown. In summary, the available evidence is currently insufficient to determine the role of this variant in disease. Therefore, it has been classified as a Variant of Uncertain Significance.

NM_001378454.1(ALMS1):c.10794G>C (p.Leu3598Phe)

Gene: ALMS1 (ALMS1 centrosome and basal body associated protein; plus strand). Cytogenetic location: 2p13.1.
Variant type: single nucleotide variant.
Coding change: c.10794G>C on transcript NM_001378454.1 (MANE Select); coding-DNA position 10794, G replaced by C.
Protein change: p.Leu3598Phe; replaces leucine 3598 with phenylalanine.
Molecular consequence: missense variant.
Genome position (GRCh38, 1-based): chr2:73,572,671, G>C. VCF-style: chr2-73572671-G-C. GRCh37 (hg19) VCF-style: chr2-73799798-G-C.
Other names: c.10797G>C, p.Leu3599Phe (NM_015120.4); short protein forms L3598F, L3599F.
Identifiers: ClinVar variation 4810280 (VCV004810280.1).